The following is an entry in ClinVar:

ClinVar aggregate classification (germline): Uncertain significance (1 of 4 stars; one submission).

Conditions:
Hereditary cancer-predisposing syndrome. Also called: Hereditary neoplastic syndrome; Tumor predisposition; Hereditary Cancer Syndrome; Neoplastic Syndromes, Hereditary. Identifiers: Orphanet 140162, MedGen C0027672, MeSH D009386, MONDO:0015356.

Submission:

Ambry Genetics
Classification: Uncertain significance for Hereditary cancer-predisposing syndrome. Last evaluated: 2023-07-01. Review status: criteria provided, single submitter. Criteria: Ambry Variant Classification Scheme 2023. Collection method: clinical testing. Allele origin: germline.
Comment: The p.E836D variant (also known as c.2508G>C), located in coding exon 15 of the PMS2 gene, results from a G to C substitution at nucleotide position 2508. The glutamic acid at codon 836 is replaced by aspartic acid, an amino acid with highly similar properties. This amino acid position is conserved. In addition, the in silico prediction for this alteration is inconclusive. Since supporting evidence is limited at this time, the clinical significance of this alteration remains unclear.

NM_000535.7(PMS2):c.2508G>C (p.Glu836Asp)

Gene: PMS2 (PMS1 homolog 2, mismatch repair system component; minus strand). Cytogenetic location: 7p22.1.
Variant type: single nucleotide variant.
Coding change: c.2508G>C on transcript NM_000535.7 (MANE Select); coding-DNA position 2508, G replaced by C.
Protein change: p.Glu836Asp; replaces glutamic acid 836 with aspartic acid.
Molecular consequence: missense variant. On other transcripts: non-coding transcript variant (1).
Genome position (GRCh38, 1-based): chr7:5,973,480, C>G on the plus strand (G>C on the coding strand, the complement: PMS2 is on the minus strand). VCF-style: chr7-5973480-C-G. GRCh37 (hg19) VCF-style: chr7-6013111-C-G.
Other names: c.2103G>C, p.Glu701Asp (NM_001406892.1, NM_001406897.1, NM_001406898.1 and 12 more transcripts); c.2352G>C, p.Glu784Asp (NM_001322006.2); c.2190G>C, p.Glu730Asp (NM_001322007.2, NM_001322008.2, NM_001406883.1); c.2136G>C, p.Glu712Asp (NM_001322009.2, NM_001406887.1, NM_001406888.1); c.1947G>C, p.Glu649Asp (NM_001322010.2, NM_001406906.1, NM_001406907.1); c.1575G>C, p.Glu525Asp (NM_001322011.2, NM_001322012.2); c.1935G>C, p.Glu645Asp (NM_001322013.2, NM_001406908.1, NM_001406909.1); c.2541G>C, p.Glu847Asp (NM_001322014.2); and 20 more; short protein forms E435D, E665D, E674D, E724D, E741D, E780D, E784D, E898D.
Identifiers: ClinVar variation 2586331 (VCV002586331.2), dbSNP rs2128658051, ClinGen allele CA366734909.